The following is an entry in ClinVar:

NM_198834.3(ACACA):c.4777-7_4777-6insG

Gene: ACACA (acetyl-CoA carboxylase alpha; minus strand). Cytogenetic location: 17q12.
Variant type: Insertion.
Coding change: c.4777-7_4777-6insG on transcript NM_198834.3 (MANE Select); 7 bases into the intron before coding-DNA position 4777 through 6 bases into the intron before coding-DNA position 4777, G inserted.
Molecular consequence: intron variant.
Genome position: GRCh38 VCF-style: chr17-37181362-G-GC. GRCh37 (hg19) VCF-style: chr17-35538303-G-GC.
Other names: c.4666-7_4666-6insG (NM_198839.3, NM_198836.3); c.4492-7_4492-6insG (NM_198837.2); c.4432-7_4432-6insG (NM_198838.2); c.4777-7_4777-6insG (NM_198834.2).
Identifiers: ClinVar variation 1901505 (VCV001901505.6), dbSNP rs751920161, ClinGen allele CA8514989.

ClinVar aggregate classification (germline): Likely benign. Review status: criteria provided, single submitter (1 of 4 stars). 2 submissions from 2 submitters: Likely benign (1). 1 of the submissions does not count toward it. Last evaluated 2023-10-20.

Conditions:
ACACA-related disorder. Also called: ACACA-related condition.

Allele frequency attached by ClinVar (database versions not stated): gnomAD exomes 0.00001; ExAC 0.00003; gnomAD 0.00003.

Submissions (2):

Labcorp Genetics (formerly Invitae), Labcorp
Classification: Likely benign. Last evaluated: 2023-10-20. Review status: criteria provided, single submitter. Criteria: Invitae Variant Classification Sherloc (09022015). Collection method: clinical testing. Allele origin: germline.

PreventionGenetics, part of Exact Sciences
Classification: Likely benign for ACACA-related condition. Last evaluated: 2019-03-20. Review status: no assertion criteria provided. Collection method: clinical testing. Allele origin: germline. Not counted in ClinVar's aggregate classification.
Comment: This variant is classified as likely benign based on ACMG/AMP sequence variant interpretation guidelines (Richards et al. 2015 PMID: 25741868, with internal and published modifications).